The following is an entry in ClinVar:

NM_032601.4(MCEE):c.140G>A (p.Arg47Gln)

Gene: MCEE (methylmalonyl-CoA epimerase; minus strand). Cytogenetic location: 2p13.3.
Variant type: single nucleotide variant.
Coding change: c.140G>A on transcript NM_032601.4 (MANE Select); coding-DNA position 140, G replaced by A.
Protein change: p.Arg47Gln; replaces arginine 47 with glutamine.
Molecular consequence: missense variant.
Genome position (GRCh38, 1-based): chr2:71,124,444, C>T on the plus strand (G>A on the coding strand, the complement: MCEE is on the minus strand). VCF-style: chr2-71124444-C-T. GRCh37 (hg19) VCF-style: chr2-71351574-C-T.
Other names: short protein forms R47Q.
Identifiers: ClinVar variation 1368012 (VCV001368012.6), dbSNP rs377624743, ClinGen allele CA1702638.

ClinVar aggregate classification (germline): Uncertain significance (1 of 4 stars; one submission).

Conditions:
Methylmalonic acidemia due to methylmalonyl-CoA epimerase deficiency. Also called: METHYLMALONYL-CoA RACEMASE DEFICIENCY; METHYLMALONIC ACIDURIA III; Methylmalonyl-CoA Epimerase Deficiency. Identifiers: Orphanet 308425, MedGen C1855100, MONDO:0009615, OMIM 251120.

Allele frequency attached by ClinVar (database versions not stated): ESP Exome Variant Server 0.00008.

Submission:

Labcorp Genetics (formerly Invitae), Labcorp
Classification: Uncertain significance for Methylmalonic acidemia due to methylmalonyl-CoA epimerase deficiency. Last evaluated: 2023-12-07. Review status: criteria provided, single submitter. Criteria: Invitae Variant Classification Sherloc (09022015). Collection method: clinical testing. Allele origin: germline.
Comment: This sequence change replaces arginine, which is basic and polar, with glutamine, which is neutral and polar, at codon 47 of the MCEE protein (p.Arg47Gln). This variant is present in population databases (rs377624743, gnomAD 0.004%). This variant has not been reported in the literature in individuals affected with MCEE-related conditions. ClinVar contains an entry for this variant (Variation ID: 1368012). Algorithms developed to predict the effect of missense changes on protein structure and function output the following: SIFT: "Not Available"; PolyPhen-2: "Benign"; Align-GVGD: "Not Available". The glutamine amino acid residue is found in multiple mammalian species, which suggests that this missense change does not adversely affect protein function. In summary, the available evidence is currently insufficient to determine the role of this variant in disease. Therefore, it has been classified as a Variant of Uncertain Significance.